The following is an entry in ClinVar:

NM_022455.5(NSD1):c.4205G>A (p.Ser1402Asn)

Gene: NSD1 (nuclear receptor binding SET domain protein 1; plus strand). Cytogenetic location: 5q35.3.
Variant type: single nucleotide variant.
Coding change: c.4205G>A on transcript NM_022455.5 (MANE Select); coding-DNA position 4205, G replaced by A.
Protein change: p.Ser1402Asn; replaces serine 1402 with asparagine.
Molecular consequence: missense variant.
Genome position (GRCh38, 1-based): chr5:177,239,768, G>A. VCF-style: chr5-177239768-G-A. GRCh37 (hg19) VCF-style: chr5-176666769-G-A.
Other names: c.3332G>A, p.Ser1111Asn (NM_001365684.2, NM_001409306.1, NM_001409307.1 and 3 more transcripts); c.4205G>A, p.Ser1402Asn (NM_001409301.1, NM_001409302.1, NM_001409303.1); c.3785G>A, p.Ser1262Asn (NM_001409304.1); c.3452G>A, p.Ser1151Asn (NM_001409305.1); short protein forms S1111N, S1133N, S1151N, S1262N, S1402N.
Identifiers: ClinVar variation 1709320 (VCV001709320.3), dbSNP rs746955799, ClinGen allele CA3577590.

ClinVar aggregate classification (germline): Uncertain significance (1 of 4 stars; one submission).

Conditions:
Sotos syndrome (SOTOS). Also called: Sotos' syndrome; Distinctive facial appearance, overgrowth in childhood, and learning disabilities or delayed development; CHROMOSOME 5q35 DELETION SYNDROME; CEREBRAL GIGANTISM; SOTOS SYNDROME 1. Identifiers: Orphanet 821, MedGen C0175695, MONDO:0019349, OMIM 117550.

gnomAD v4.1: 18 of 1,602,996 alleles (0.0011%); highest among the groups gnomAD compares: South Asian, 0.02%; no homozygotes.

Submission:

MGZ Medical Genetics Center
Classification: Uncertain significance for Sotos syndrome. Last evaluated: 2022-04-22. Review status: criteria provided, single submitter. Criteria: ACMG Guidelines, 2015. Collection method: clinical testing. Allele origin: germline. Affected: yes. Observed: 1 variant allele.
Comment: ACMG criteria applied: PM2_SUP, PP2